The following is an entry in ClinVar:

NM_001382567.1(STIM1):c.792-4C>G

Gene: STIM1 (stromal interaction molecule 1; plus strand). Cytogenetic location: 11p15.4.
Variant type: single nucleotide variant.
Coding change: c.792-4C>G on transcript NM_001382567.1 (MANE Select); 4 bases into the intron before coding-DNA position 792, C replaced by G.
Molecular consequence: intron variant.
Genome position (GRCh38, 1-based): chr11:4,074,498, C>G. VCF-style: chr11-4074498-C-G. GRCh37 (hg19) VCF-style: chr11-4095728-C-G.
Other names: c.570-4C>G (NM_001382578.1, NM_001382575.1, NM_001382576.1 and 5 more transcripts); c.303-4C>G (NM_001382580.1, NM_001382581.1); c.792-4C>G (NM_001382568.1, NM_001277962.2, NM_003156.4 and 3 more transcripts); c.564-4C>G (NM_001382570.1); c.657-4C>G (NM_001382569.1); c.312-4C>G (NM_001382571.1).
Identifiers: ClinVar variation 1594550 (VCV001594550.11), dbSNP rs200996329, ClinGen allele CA5830330.

ClinVar aggregate classification (germline): Likely benign. Review status: criteria provided, multiple submitters, no conflicts (2 of 4 stars). 3 submissions from 3 submitters: Likely benign (2). 1 of the submissions does not count toward it. Last evaluated 2025-11-03.

Conditions:
Stormorken syndrome (STRMK). Also called: THROMBOCYTOPATHY, ASPLENIA, AND MIOSIS. Identifiers: Orphanet 3204, MedGen C1861451, MONDO:0008497, OMIM 185070.
Combined immunodeficiency due to STIM1 deficiency. Also called: STIM1 DEFICIENCY; IMMUNODEFICIENCY 10. Identifiers: Orphanet 169090, Orphanet 317430, MedGen C2748557, MONDO:0013008, OMIM 612783.
Myopathy with tubular aggregates (TAM). Also called: Tubular Aggregate Myopathy. Identifiers: Orphanet 2593, MedGen C0410207, MONDO:0008051.
STIM1-related disorder. Also called: STIM1-related condition.

gnomAD v4.1: 38 of 1,613,386 alleles (0.0024%); highest among the groups gnomAD compares: East Asian, 0.029%; no homozygotes.

Submissions (3):

Labcorp Genetics (formerly Invitae), Labcorp
Classification: Likely benign for Myopathy with tubular aggregates; Combined immunodeficiency due to STIM1 deficiency; Stormorken syndrome. Last evaluated: 2025-11-03. Review status: criteria provided, single submitter. Criteria: Invitae Variant Classification Sherloc (09022015). Collection method: clinical testing. Allele origin: germline.

Blueprint Genetics
Classification: Likely benign. Last evaluated: 2023-06-14. Review status: criteria provided, single submitter. Criteria: ACMG Guidelines, 2015. Collection method: clinical testing. Allele origin: germline.

PreventionGenetics, part of Exact Sciences
Classification: Likely benign for STIM1-related condition. Last evaluated: 2022-02-15. Review status: no assertion criteria provided. Collection method: clinical testing. Allele origin: germline. Not counted in ClinVar's aggregate classification.
Comment: This variant is classified as likely benign based on ACMG/AMP sequence variant interpretation guidelines (Richards et al. 2015 PMID: 25741868, with internal and published modifications).